The following is an entry in ClinVar:

NM_006019.4(TCIRG1):c.2331dup (p.Ala778fs)

Gene: TCIRG1 (T cell immune regulator 1, ATPase H+ transporting V0 subunit a3; plus strand). Cytogenetic location: 11q13.2.
Variant type: Duplication.
Coding change: c.2331dup on transcript NM_006019.4 (MANE Select); coding-DNA position 2331, one base duplicated (T; older notation c.2331dupT).
Protein change: p.Ala778fs; shifts the reading frame from alanine 778.
Molecular consequence: frameshift variant.
Genome position (GRCh38, 1-based): chr11:68,050,581, T duplicated; the last of 3 consecutive T bases (chr11:68,050,579-68,050,581); duplicating any one gives the same sequence. VCF-style (leftmost placement, unchanged base first): chr11-68050578-C-CT. GRCh37 (hg19) VCF-style: chr11-67818045-C-CT.
Other names: c.1437dup, p.Ala480fs (NM_001351059.2); c.1683dup, p.Ala562fs (NM_006053.4); short protein forms A480fs, A778fs, A562fs.
Identifiers: ClinVar variation 1453967 (VCV001453967.6), dbSNP rs2134466412, ClinGen allele CA2573147515.

ClinVar aggregate classification (germline): Pathogenic (1 of 4 stars; one submission).

Submission:

Labcorp Genetics (formerly Invitae), Labcorp
Classification: Pathogenic. Last evaluated: 2021-11-02. Review status: criteria provided, single submitter. Criteria: Invitae Variant Classification Sherloc (09022015). Collection method: clinical testing. Allele origin: germline.
Comment: This variant has not been reported in the literature in individuals affected with TCIRG1-related conditions. This variant is not present in population databases (gnomAD no frequency). This sequence change creates a premature translational stop signal (p.Ala778Cysfs*53) in the TCIRG1 gene. While this is not anticipated to result in nonsense mediated decay, it is expected to disrupt the last 53 amino acid(s) of the TCIRG1 protein. This variant disrupts a region of the TCIRG1 protein in which other variant(s) (p.Ala796Leufs*34) have been determined to be pathogenic (PMID: 30537558; Invitae). This suggests that this is a clinically significant region of the protein, and that variants that disrupt it are likely to be disease-causing. For these reasons, this variant has been classified as Pathogenic.

Literature cited by the submitters: PubMed 30537558.